The following is an entry in ClinVar:

NM_004818.3(DDX23):c.796C>T (p.His266Tyr)

Gene: DDX23 (DEAD-box helicase 23; minus strand). Cytogenetic location: 12q13.12.
Variant type: single nucleotide variant.
Coding change: c.796C>T on transcript NM_004818.3 (MANE Select); coding-DNA position 796, C replaced by T.
Protein change: p.His266Tyr; replaces histidine 266 with tyrosine.
Molecular consequence: missense variant.
Genome position (GRCh38, 1-based): chr12:48,837,351, G>A on the plus strand (C>T on the coding strand, the complement: DDX23 is on the minus strand). VCF-style: chr12-48837351-G-A. GRCh37 (hg19) VCF-style: chr12-49231134-G-A.
Other names: short protein forms H266Y.
Identifiers: ClinVar variation 3902885 (VCV003902885.1).

ClinVar aggregate classification (germline): Uncertain significance (1 of 4 stars; one submission).

Submission:

GeneDx
Classification: Uncertain significance. Last evaluated: 2024-12-09. Review status: criteria provided, single submitter. Criteria: GeneDx Variant Classification Process June 2021. Collection method: clinical testing. Allele origin: germline. Affected: yes.
Comment: Not observed at significant frequency in large population cohorts (gnomAD); In silico analysis indicates that this missense variant does not alter protein structure/function; Has not been previously published as pathogenic or benign to our knowledge